The following is an entry in ClinVar:

ClinVar aggregate classification (germline): Uncertain significance. Review status: criteria provided, multiple submitters, no conflicts (2 of 4 stars). 2 submissions from 2 submitters: Uncertain significance (2). Last evaluated 2024-12-11.

Conditions:
Inborn genetic diseases. Identifiers: MedGen C0950123, MeSH D030342.

Allele frequency attached by ClinVar (database versions not stated): ExAC 0.00002; TOPMed 0.00002; gnomAD 0.00001; gnomAD exomes 0.00001.
gnomAD v4.1: 21 of 1,613,202 alleles (0.0013%); highest among the groups gnomAD compares: African/African-American, 0.0027%; no homozygotes.

Submissions (2):

Ambry Genetics
Classification: Uncertain significance for Inborn genetic diseases. Last evaluated: 2024-12-11. Review status: criteria provided, single submitter. Criteria: Ambry Variant Classification Scheme 2023. Collection method: clinical testing. Allele origin: germline.

Labcorp Genetics (formerly Invitae), Labcorp
Classification: Uncertain significance. Last evaluated: 2024-04-16. Review status: criteria provided, single submitter. Criteria: Invitae Variant Classification Sherloc (09022015). Collection method: clinical testing. Allele origin: germline.
Comment: This sequence change replaces isoleucine, which is neutral and non-polar, with valine, which is neutral and non-polar, at codon 568 of the PNPT1 protein (p.Ile568Val). This variant is present in population databases (rs781612777, gnomAD 0.007%). This variant has not been reported in the literature in individuals affected with PNPT1-related conditions. ClinVar contains an entry for this variant (Variation ID: 1381284). Advanced modeling of protein sequence and biophysical properties (such as structural, functional, and spatial information, amino acid conservation, physicochemical variation, residue mobility, and thermodynamic stability) performed at Invitae indicates that this missense variant is not expected to disrupt PNPT1 protein function with a negative predictive value of 80%. In summary, the available evidence is currently insufficient to determine the role of this variant in disease. Therefore, it has been classified as a Variant of Uncertain Significance.

NM_033109.5(PNPT1):c.1702A>G (p.Ile568Val)

Gene: PNPT1 (polyribonucleotide nucleotidyltransferase 1; minus strand). Cytogenetic location: 2p16.1.
Variant type: single nucleotide variant.
Coding change: c.1702A>G on transcript NM_033109.5 (MANE Select); coding-DNA position 1702, A replaced by G.
Protein change: p.Ile568Val; replaces isoleucine 568 with valine.
Molecular consequence: missense variant.
Genome position (GRCh38, 1-based): chr2:55,646,295, T>C on the plus strand (A>G on the coding strand, the complement: PNPT1 is on the minus strand). VCF-style: chr2-55646295-T-C. GRCh37 (hg19) VCF-style: chr2-55873430-T-C.
Other names: c.1702A>G (NM_033109.3); short protein forms I568V.
Identifiers: ClinVar variation 1381284 (VCV001381284.9), dbSNP rs781612777, ClinGen allele CA1667982.